The following is an entry in ClinVar:

ClinVar aggregate classification (germline): Uncertain significance (1 of 4 stars; one submission).

Submission:

Labcorp Genetics (formerly Invitae), Labcorp
Classification: Uncertain significance. Last evaluated: 2020-11-15. Review status: criteria provided, single submitter. Criteria: Invitae Variant Classification Sherloc (09022015). Collection method: clinical testing. Allele origin: germline.
Comment: This sequence change replaces alanine with threonine at codon 213 of the ACO2 protein (p.Ala213Thr). The alanine residue is highly conserved and there is a small physicochemical difference between alanine and threonine. This variant is not present in population databases (ExAC no frequency). This variant has not been reported in the literature in individuals with ACO2-related conditions. Advanced modeling of protein sequence and biophysical properties (such as structural, functional, and spatial information, amino acid conservation, physicochemical variation, residue mobility, and thermodynamic stability) performed at Invitae indicates that this missense variant is expected to disrupt ACO2 protein function. In summary, the available evidence is currently insufficient to determine the role of this variant in disease. Therefore, it has been classified as a Variant of Uncertain Significance.

NM_001098.3(ACO2):c.637G>A (p.Ala213Thr)

Gene: ACO2 (aconitase 2; plus strand). Cytogenetic location: 22q13.2.
Variant type: single nucleotide variant.
Coding change: c.637G>A on transcript NM_001098.3 (MANE Select); coding-DNA position 637, G replaced by A.
Protein change: p.Ala213Thr; replaces alanine 213 with threonine.
Molecular consequence: missense variant.
Genome position (GRCh38, 1-based): chr22:41,515,488, G>A. VCF-style: chr22-41515488-G-A. GRCh37 (hg19) VCF-style: chr22-41911492-G-A.
Other names: short protein forms A213T.
Identifiers: ClinVar variation 1485345 (VCV001485345.8), dbSNP rs1272472222, ClinGen allele CA411718246.